The following is an entry in ClinVar:

ClinVar aggregate classification (germline): Uncertain significance. Review status: criteria provided, multiple submitters, no conflicts (2 of 4 stars). 2 submissions from 2 submitters: Uncertain significance (2). Last evaluated 2026-09-08.

Conditions:
Fabry disease. Also called: Fabry's disease; Angiokeratoma corporis diffusum; ALPHA-GALACTOSIDASE A DEFICIENCY; ANDERSON-FABRY DISEASE; CERAMIDE TRIHEXOSIDASE DEFICIENCY; GLA DEFICIENCY. Identifiers: Orphanet 324, MedGen C0002986, MONDO:0010526, OMIM 301500, HP:0001071. Disease mechanism: Fabry disease is due to inactivating mutations in the X-linked GLA gene resulting in deficiency of the enzyme Alpha Galactosidase-A., loss of function.

Submissions (2):

Genomenon, Inc
Classification: Uncertain significance for Fabry disease. Last evaluated: 2026-09-08. Review status: criteria provided, single submitter. Criteria: Genomenon Sequence Variant Interpretation Standards - Updated. Collection method: curation. Allele origin: germline. Affected: no.
Comment: GLA p.Ala368Val (c.1103C>T) is a missense variant that changes the amino acid at codon 368 from Alanine to Valine. This variant has been reported in the published literature (PMID:33587123). It is absent or not present at a significant frequency in gnomAD. In silico models predict that this variant is not damaging. In conclusion, we classify GLA p.Ala368Val (c.1103C>T) as a variant of uncertain significance.

Athena Diagnostics
Classification: Uncertain significance. Last evaluated: 2019-10-16. Review status: criteria provided, single submitter. Criteria: Athena Diagnostics Criteria. Collection method: clinical testing. Allele origin: unknown.
Comment: This observation is not an independent occurrence and has been identified in the same individual by RCIGM, the other laboratory participating in the GEMINI study.

Literature cited by the submitters: PubMed 33587123 (cited by Genomenon, Inc).

NM_000169.3(GLA):c.1103C>T (p.Ala368Val)

Genes: GLA (galactosidase alpha; minus strand), RPL36A-HNRNPH2 (RPL36A-HNRNPH2 readthrough; plus strand). Cytogenetic location: Xq22.1.
Variant type: single nucleotide variant.
Coding change: c.1103C>T on transcript NM_000169.3 (MANE Select); coding-DNA position 1103, C replaced by T.
Protein change: p.Ala368Val; replaces alanine 368 with valine.
Molecular consequence: missense variant. On other transcripts: non-coding transcript variant (3), intron variant (2).
Genome position (GRCh38, 1-based): chrX:101,397,996, G>A on the plus strand (C>T on the coding strand, the complement: GLA is on the minus strand). VCF-style: chrX-101397996-G-A. GRCh37 (hg19) VCF-style: chrX-100652984-G-A.
Other names: c.1226C>T, p.Ala409Val (NM_001406747.1); c.300+2539G>A (NM_001199973.2); c.177+6174G>A (NM_001199974.2); short protein forms A368V, A409V.
Identifiers: ClinVar variation 1809755 (VCV001809755.3), dbSNP rs2520852065, ClinGen allele CA413920635.